The following is an entry in ClinVar:

NM_005343.4(HRAS):c.446G>T (p.Arg149Leu)

Genes: HRAS (HRas proto-oncogene, GTPase; minus strand), LRRC56 (leucine rich repeat containing 56; plus strand). Cytogenetic location: 11p15.5.
Variant type: single nucleotide variant.
Coding change: c.446G>T on transcript NM_005343.4 (MANE Select); coding-DNA position 446, G replaced by T.
Protein change: p.Arg149Leu; replaces arginine 149 with leucine.
Molecular consequence: missense variant.
Genome position (GRCh38, 1-based): chr11:533,457, C>A on the plus strand (G>T on the coding strand, the complement: HRAS is on the minus strand). VCF-style: chr11-533457-C-A. GRCh37 (hg19) VCF-style: chr11-533457-C-A.
Other names: c.446G>T, p.Arg149Leu (NM_001130442.3, NM_176795.5); c.127G>T, p.Gly43Cys (NM_001318054.2); short protein forms G43C, R149L.
Identifiers: ClinVar variation 3637849 (VCV003637849.2).

ClinVar aggregate classification (germline): Uncertain significance (1 of 4 stars; one submission).

Conditions:
Costello syndrome (CSTLO). Also called: FACIOCUTANEOSKELETAL SYNDROME; FCS SYNDROME; HRAS-Related Costello Syndrome. Identifiers: Orphanet 3071, MedGen C0587248, MONDO:0009026, OMIM 218040.

Submission:

Labcorp Genetics (formerly Invitae), Labcorp
Classification: Uncertain significance for Costello syndrome. Last evaluated: 2024-11-24. Review status: criteria provided, single submitter. Criteria: Invitae Variant Classification Sherloc (09022015). Collection method: clinical testing. Allele origin: germline.
Comment: This sequence change replaces arginine, which is basic and polar, with leucine, which is neutral and non-polar, at codon 149 of the HRAS protein (p.Arg149Leu). This variant is not present in population databases (gnomAD no frequency). This variant has not been reported in the literature in individuals affected with HRAS-related conditions. Invitae Evidence Modeling of protein sequence and biophysical properties (such as structural, functional, and spatial information, amino acid conservation, physicochemical variation, residue mobility, and thermodynamic stability) indicates that this missense variant is expected to disrupt HRAS protein function with a positive predictive value of 80%. In summary, the available evidence is currently insufficient to determine the role of this variant in disease. Therefore, it has been classified as a Variant of Uncertain Significance.